The following is an entry in ClinVar:

ClinVar aggregate classification (germline): Conflicting classifications of pathogenicity. Review status: criteria provided, conflicting classifications (1 of 4 stars). 2 submissions from 2 submitters: Uncertain significance (1); Likely benign (1). Last evaluated 2024-05-24.

Conditions:
Inborn genetic diseases. Identifiers: MedGen C0950123, MeSH D030342.

Allele frequency attached by ClinVar (database versions not stated): ExAC 0.00002; gnomAD exomes 0.00002.
gnomAD v4.1: 26 of 1,612,650 alleles (0.0016%); highest among the groups gnomAD compares: Non-Finnish European, 0.0014%; no homozygotes.

Submissions (2):

Ambry Genetics
Classification: Likely benign for Inborn genetic diseases. Last evaluated: 2024-05-24. Review status: criteria provided, single submitter. Criteria: Ambry Variant Classification Scheme 2023. Collection method: clinical testing. Allele origin: germline.

Labcorp Genetics (formerly Invitae), Labcorp
Classification: Uncertain significance. Last evaluated: 2022-05-04. Review status: criteria provided, single submitter. Criteria: Invitae Variant Classification Sherloc (09022015). Collection method: clinical testing. Allele origin: germline.
Comment: In summary, the available evidence is currently insufficient to determine the role of this variant in disease. Therefore, it has been classified as a Variant of Uncertain Significance. Algorithms developed to predict the effect of missense changes on protein structure and function output the following: SIFT: "Tolerated"; PolyPhen-2: "Benign"; Align-GVGD: "Class C0". The arginine amino acid residue is found in multiple mammalian species, which suggests that this missense change does not adversely affect protein function. This variant has not been reported in the literature in individuals affected with IFT81-related conditions. This variant is present in population databases (rs771085881, gnomAD 0.02%). This sequence change replaces tryptophan, which is neutral and slightly polar, with arginine, which is basic and polar, at codon 204 of the IFT81 protein (p.Trp204Arg).

NM_014055.4(IFT81):c.610T>C (p.Trp204Arg)

Gene: IFT81 (intraflagellar transport 81; plus strand). Cytogenetic location: 12q24.11.
Variant type: single nucleotide variant.
Coding change: c.610T>C on transcript NM_014055.4 (MANE Select); coding-DNA position 610, T replaced by C.
Protein change: p.Trp204Arg; replaces tryptophan 204 with arginine.
Molecular consequence: missense variant. On other transcripts: 5 prime UTR variant (2), non-coding transcript variant (4).
Genome position (GRCh38, 1-based): chr12:110,135,351, T>C. VCF-style: chr12-110135351-T-C. GRCh37 (hg19) VCF-style: chr12-110573156-T-C.
Other names: c.610T>C, p.Trp204Arg (NM_001143779.2, NM_001347946.2, NM_031473.4); c.-157T>C (NM_001347947.2, NM_001347948.2); c.610T>C (NM_014055.3); short protein forms W204R.
Identifiers: ClinVar variation 2189222 (VCV002189222.4), dbSNP rs771085881, ClinGen allele CA6783138.